The following is an entry in ClinVar:

NM_000535.7(PMS2):c.735dup (p.Pro246fs)

Gene: PMS2 (PMS1 homolog 2, mismatch repair system component; minus strand). Cytogenetic location: 7p22.1.
Variant type: Duplication.
Coding change: c.735dup on transcript NM_000535.7 (MANE Select); coding-DNA position 735, one base duplicated (G; older notation c.735dupG).
Protein change: p.Pro246fs; shifts the reading frame from proline 246.
Molecular consequence: frameshift variant. On other transcripts: 5 prime UTR variant (2), non-coding transcript variant (1).
Genome position (GRCh38, 1-based): chr7:5,997,394, C duplicated on the plus strand (G on the coding strand, the reverse complement: PMS2 is on the minus strand). VCF-style (leftmost placement, unchanged base first): chr7-5997393-G-GC. GRCh37 (hg19) VCF-style: chr7-6037024-G-GC.
Other names: c.330dup, p.Pro111fs (NM_001322003.2, NM_001322004.2, NM_001322005.2 and 2 more transcripts); c.735dup, p.Pro246fs (NM_001322006.2, NM_001322014.2); c.417dup, p.Pro140fs (NM_001322007.2, NM_001322008.2); c.-199dup (NM_001322011.2, NM_001322012.2); c.162dup, p.Pro55fs (NM_001322013.2); c.426dup, p.Pro143fs (NM_001322015.2); short protein forms P111fs, P140fs, P143fs, P246fs, P55fs.
Identifiers: ClinVar variation 1074077 (VCV001074077.7), dbSNP rs2128788145, ClinGen allele CA2499218961.
Genomic context (GRCh38, chr7:5,997,393, plus strand): 5'-GATTATGCAGAGCATCGGAACAGCTCAAACCGTACTCTTCACACACGGAGTCACTAGGGG[G>GC]CAGCTGAACAAAAGGAATGAGGCTTTGCAACTGAAAAAAAAAAAAAAAAATTCACAGTTA-3'

ClinVar aggregate classification (germline): Pathogenic. Review status: criteria provided, multiple submitters, no conflicts (2 of 4 stars). 2 submissions from 2 submitters: Pathogenic (2). Last evaluated 2023-09-19.

Conditions:
Lynch syndrome 4 (LYNCH4). Also called: Hereditary non-polyposis colorectal cancer, type 4; Colorectal cancer, hereditary nonpolyposis, type 4. Identifiers: Orphanet 144, MedGen C1838333, MONDO:0013699, OMIM 614337. Disease mechanism: loss of function.
Hereditary nonpolyposis colorectal neoplasms. Identifiers: MedGen C0009405, MeSH D003123.

Submissions (2):

Myriad Genetics, Inc.
Classification: Pathogenic for Lynch syndrome 4. Last evaluated: 2023-09-19. Review status: criteria provided, single submitter. Criteria: Myriad Autosomal Dominant, Autosomal Recessive and X-Linked Classification Criteria (2023). Collection method: clinical testing. Allele origin: unknown.
Comment: This variant is considered pathogenic. This variant creates a frameshift predicted to result in premature protein truncation.

Labcorp Genetics (formerly Invitae), Labcorp
Classification: Pathogenic for Hereditary nonpolyposis colorectal neoplasms. Last evaluated: 2020-09-02. Review status: criteria provided, single submitter. Criteria: Invitae Variant Classification Sherloc (09022015). Collection method: clinical testing. Allele origin: germline.
Comment: This sequence change creates a premature translational stop signal (p.Pro246Alafs*3) in the PMS2 gene. It is expected to result in an absent or disrupted protein product. This variant is not present in population databases (ExAC no frequency). This variant has not been reported in the literature in individuals with PMS2-related conditions. Loss-of-function variants in PMS2 are known to be pathogenic (PMID: 21376568, 24362816). For these reasons, this variant has been classified as Pathogenic.

Literature cited by the submitters: PubMed 21376568 (cited by Labcorp Genetics (formerly Invitae), Labcorp); PubMed 24362816 (cited by Labcorp Genetics (formerly Invitae), Labcorp).